The following is an entry in ClinVar:

ClinVar aggregate classification (germline): Benign/Likely benign. Review status: criteria provided, multiple submitters, no conflicts (2 of 4 stars). 3 submissions from 3 submitters: Benign (2); Likely benign (1). Last evaluated 2026-01-04.

Conditions:
Vitreoretinopathy. Also called: Vitreoretinal degeneration. Identifiers: MedGen C0344290, MONDO:0020248, HP:0007773.

Allele frequency attached by ClinVar (database versions not stated): gnomAD exomes 0.00009 and 0.00003; ExAC 0.00011; gnomAD 0.00040; TOPMed 0.00047; ESP Exome Variant Server 0.00062.
gnomAD v4.1: 108 of 1,613,974 alleles (0.0067%); highest among the groups gnomAD compares: African/African-American, 0.14%; no homozygotes.

Submissions (3):

Labcorp Genetics (formerly Invitae), Labcorp
Classification: Benign. Last evaluated: 2026-01-04. Review status: criteria provided, single submitter. Criteria: Invitae Variant Classification Sherloc (09022015). Collection method: clinical testing. Allele origin: germline.

Blueprint Genetics
Classification: Likely benign. Last evaluated: 2024-03-05. Review status: criteria provided, single submitter. Criteria: ACMG Guidelines, 2015. Collection method: clinical testing. Allele origin: germline.

Illumina Laboratory Services, Illumina
Classification: Benign for Vitreoretinopathy. Last evaluated: 2018-01-13. Review status: criteria provided, single submitter. Criteria: ICSL Variant Classification Criteria 13 December 2019. Collection method: clinical testing. Allele origin: germline.
Comment: This variant was observed in the ICSL laboratory as part of a predisposition screen in an ostensibly healthy population. It had not been previously curated by ICSL or reported in the Human Gene Mutation Database (HGMD: prior to June 1st, 2018), and was therefore a candidate for classification through an automated scoring system. Utilizing variant allele frequency, disease prevalence and penetrance estimates, and inheritance mode, an automated score was calculated to assess if this variant is too frequent to cause the disease. Based on the score and internal cut-off values, a variant classified as benign is not then subjected to further curation. The score for this variant resulted in a classification of benign for this disease.

NM_004385.5(VCAN):c.7374A>G (p.Thr2458=)

Genes: VCAN (versican; plus strand), VCAN-AS1 (VCAN antisense RNA 1; minus strand). Cytogenetic location: 5q14.3.
Variant type: single nucleotide variant.
Coding change: c.7374A>G on transcript NM_004385.5 (MANE Select); coding-DNA position 7374, A replaced by G.
Protein change: p.Thr2458=; no amino-acid change (threonine 2458 retained).
Molecular consequence: synonymous variant. On other transcripts: intron variant (2).
Genome position (GRCh38, 1-based): chr5:83,540,377, A>G. VCF-style: chr5-83540377-A-G. GRCh37 (hg19) VCF-style: chr5-82836196-A-G.
Other names: c.4413A>G, p.Thr1471= (NM_001164097.2); c.4004-5160A>G (NM_001164098.2); c.1043-5160A>G (NM_001126336.3).
Identifiers: ClinVar variation 354439 (VCV000354439.15), dbSNP rs148715382, ClinGen allele CA3333622.